The following is an entry in ClinVar:

NM_001134673.4(NFIA):c.1444C>T (p.Pro482Ser)

Gene: NFIA (nuclear factor I A; plus strand). Cytogenetic location: 1p31.3.
Variant type: single nucleotide variant.
Coding change: c.1444C>T on transcript NM_001134673.4 (MANE Select); coding-DNA position 1444, C replaced by T.
Protein change: p.Pro482Ser; replaces proline 482 with serine.
Molecular consequence: missense variant. On other transcripts: intron variant (1).
Genome position (GRCh38, 1-based): chr1:61,426,488, C>T. VCF-style: chr1-61426488-C-T. GRCh37 (hg19) VCF-style: chr1-61892160-C-T.
Other names: c.1420C>T, p.Pro474Ser (NM_001145511.2); c.1579C>T, p.Pro527Ser (NM_001145512.2); c.1420+19761C>T (NM_005595.5); short protein forms P474S, P482S, P527S.
Identifiers: ClinVar variation 3378271 (VCV003378271.1).

ClinVar aggregate classification (germline): Uncertain significance (1 of 4 stars; one submission).

Submission:

GeneDx
Classification: Uncertain significance. Last evaluated: 2024-05-12. Review status: criteria provided, single submitter. Criteria: GeneDx Variant Classification Process June 2021. Collection method: clinical testing. Allele origin: germline. Affected: yes.
Comment: Reported using an alternate transcript of the gene; Not observed at significant frequency in large population cohorts (gnomAD); In silico analysis indicates that this variant does not alter splicing; Has not been previously published as pathogenic or benign to our knowledge